The following is an entry in ClinVar:

ClinVar aggregate classification (germline): Likely benign. Review status: criteria provided, multiple submitters, no conflicts (2 of 4 stars). 12 submissions from 12 submitters: Likely benign (9). 3 of the submissions do not count toward it. Last evaluated 2026-02-14.

Conditions:
Cardiovascular phenotype. Identifiers: MedGen CN230736.
Cardiomyopathy (CMYO). Also called: Cardiomyopathies. Identifiers: Orphanet 167848, MedGen C0878544, MONDO:0004994, HP:0001638. Inheritance: Various modes of inheritance.
Arrhythmogenic right ventricular cardiomyopathy (ARVD). Also called: Cardiomyopathy, ARVC; Arrhythmogenic Right Ventricular Cardiomyopathy (ARVC); Arrhythmogenic right ventricular dysplasia; Arrhythmogenic cardiomyopathy. Identifiers: Orphanet 247, MedGen C0349788, MeSH D019571, MONDO:0016587. Disease mechanism: loss of function. Inheritance: Various modes of inheritance.
Arrhythmogenic right ventricular dysplasia 10. Also called: Arrhythmogenic Right Ventricular Dysplasia/Cardiomyopathy10; ARRHYTHMOGENIC RIGHT VENTRICULAR DYSPLASIA, FAMILIAL, 10; Arrhythmogenic right ventricular dysplasia/cardiomyopathy, type 10. Identifiers: MedGen C1857777, MONDO:0012434, OMIM 610193.

Allele frequency attached by ClinVar (database versions not stated): gnomAD 0.00004 and 0.00005; TOPMed 0.00006; ESP Exome Variant Server 0.00009; gnomAD exomes 0.00016 and 0.00018; ExAC 0.00017; 1000 Genomes Project 30x 0.00078; 1000 Genomes Project 0.00080.

Submissions (12):

Women's Health and Genetics/Laboratory Corporation of America, LabCorp
Classification: Likely benign. Last evaluated: 2026-02-14. Review status: criteria provided, single submitter. Criteria: LabCorp Variant Classification Summary - May 2015. Collection method: clinical testing. Allele origin: germline.

Labcorp Genetics (formerly Invitae), Labcorp
Classification: Likely benign for Arrhythmogenic right ventricular dysplasia 10. Last evaluated: 2026-01-16. Review status: criteria provided, single submitter. Criteria: Invitae Variant Classification Sherloc (09022015). Collection method: clinical testing. Allele origin: germline.

Blueprint Genetics
Classification: Likely benign. Last evaluated: 2024-09-16. Review status: criteria provided, single submitter. Criteria: ACMG Guidelines, 2015. Collection method: clinical testing. Allele origin: germline.

CeGaT Center for Human Genetics Tuebingen
Classification: Likely benign. Last evaluated: 2024-08-01. Review status: criteria provided, single submitter. Criteria: CeGaT Center For Human Genetics Tuebingen Variant Classification Criteria Version 2. Collection method: clinical testing. Allele origin: germline. Affected: yes. Observed: 2 variant alleles.
Comment: DSG2: BP4, BP7

All of Us Research Program, National Institutes of Health
Classification: Likely benign for Arrhythmogenic right ventricular cardiomyopathy. Last evaluated: 2024-01-11. Review status: criteria provided, single submitter. Criteria: ACMG Guidelines, 2015. Collection method: clinical testing. Allele origin: germline. Inheritance: Autosomal dominant inheritance. Observed: 31 variant alleles, 31 heterozygotes.
Comment: This study involves interpretation of variants in research participants for the purpose of population health screening. Participant phenotype was not available at the time of variant classification. Additional details can be found in publication PMID: 35346344, PMCID: PMC8962531

GeneDx
Classification: Likely benign. Last evaluated: 2021-01-29. Review status: criteria provided, single submitter. Criteria: GeneDx Variant Classification Process June 2021. Collection method: clinical testing. Allele origin: germline. Affected: yes.

Color Diagnostics, LLC DBA Color Health
Classification: Likely benign for Cardiomyopathy. Last evaluated: 2018-12-10. Review status: criteria provided, single submitter. Criteria: ACMG Guidelines, 2015. Collection method: clinical testing. Allele origin: germline.

Ambry Genetics
Classification: Likely benign for Cardiovascular phenotype. Last evaluated: 2016-06-23. Review status: criteria provided, single submitter. Criteria: Ambry Variant Classification Scheme 2023. Collection method: clinical testing. Allele origin: germline.

CHEO Genetics Diagnostic Laboratory, Children's Hospital of Eastern Ontario
Classification: Likely benign for Cardiomyopathy. Last evaluated: 2015-10-14. Review status: criteria provided, single submitter. Criteria: ACMG Guidelines, 2015. Collection method: clinical testing. Allele origin: germline. Study: Canadian Open Genetics Repository.

Clinical Genetics DNA and cytogenetics Diagnostics Lab, Erasmus MC, Erasmus Medical Center
Classification: Likely benign. Review status: no assertion criteria provided. Collection method: clinical testing. Allele origin: germline. Affected: yes. Study: VKGL Data-share Consensus. Not counted in ClinVar's aggregate classification.

Clinical Genetics, Academic Medical Center
Classification: Benign. Review status: no assertion criteria provided. Collection method: clinical testing. Allele origin: germline. Affected: yes. Study: VKGL Data-share Consensus. Not counted in ClinVar's aggregate classification.

Diagnostic Laboratory, Department of Genetics, University Medical Center Groningen
Classification: Likely benign. Review status: no assertion criteria provided. Collection method: clinical testing. Allele origin: germline. Affected: yes. Study: VKGL Data-share Consensus. Not counted in ClinVar's aggregate classification.

NM_001943.5(DSG2):c.273A>G (p.Gly91=)

Gene: DSG2 (desmoglein 2; plus strand). Cytogenetic location: 18q12.1.
Variant type: single nucleotide variant.
Coding change: c.273A>G on transcript NM_001943.5 (MANE Select); coding-DNA position 273, A replaced by G.
Protein change: p.Gly91=; no amino-acid change (glycine 91 retained).
Molecular consequence: synonymous variant.
Genome position (GRCh38, 1-based): chr18:31,520,859, A>G. VCF-style: chr18-31520859-A-G. GRCh37 (hg19) VCF-style: chr18-29100822-A-G.
Other names: c.273A>G (LRG_397t1).
Identifiers: ClinVar variation 263740 (VCV000263740.58), dbSNP rs376944801, ClinGen allele CA047050.